The following is an entry in ClinVar:

NM_003268.6(TLR5):c.1846T>C (p.Phe616Leu)

Gene: TLR5 (toll like receptor 5; minus strand). Cytogenetic location: 1q41.
Variant type: single nucleotide variant.
Coding change: c.1846T>C on transcript NM_003268.6 (MANE Select); coding-DNA position 1846, T replaced by C.
Protein change: p.Phe616Leu; replaces phenylalanine 616 with leucine.
Molecular consequence: missense variant.
Genome position (GRCh38, 1-based): chr1:223,111,186, A>G on the plus strand (T>C on the coding strand, the complement: TLR5 is on the minus strand). VCF-style: chr1-223111186-A-G. GRCh37 (hg19) VCF-style: chr1-223284528-A-G.
Other names: short protein forms F616L.
Identifiers: ClinVar variation 3059715 (VCV003059715.2), dbSNP rs5744174, ClinGen allele CA1409763.

ClinVar aggregate classification (germline): Benign (0 of 4 stars; one submission).

Conditions:
TLR5-related disorder. Also called: TLR5-related condition.

Allele frequency attached by ClinVar (database versions not stated): 1000 Genomes Project 30x 0.28935; 1000 Genomes Project 0.29034; TOPMed 0.31500; ESP Exome Variant Server 0.33461; gnomAD 0.33921; ExAC 0.39010; gnomAD exomes 0.41433.
gnomAD v4.1: 656,045 of 1,613,888 alleles (41%); highest among the groups gnomAD compares: South Asian, 43%; 138,857 homozygotes.

Submission:

PreventionGenetics, part of Exact Sciences
Classification: Benign for TLR5-related condition. Last evaluated: 2019-10-17. Review status: no assertion criteria provided. Collection method: clinical testing. Allele origin: germline.
Comment: This variant is classified as benign based on ACMG/AMP sequence variant interpretation guidelines (Richards et al. 2015 PMID: 25741868, with internal and published modifications).